The following is an entry in ClinVar:

NM_018344.6(SLC29A3):c.104T>G (p.Leu35Arg)

Gene: SLC29A3 (solute carrier family 29 member 3; plus strand). Cytogenetic location: 10q22.1.
Variant type: single nucleotide variant.
Coding change: c.104T>G on transcript NM_018344.6 (MANE Select); coding-DNA position 104, T replaced by G.
Protein change: p.Leu35Arg; replaces leucine 35 with arginine.
Molecular consequence: missense variant. On other transcripts: 5 prime UTR variant (1), non-coding transcript variant (2).
Genome position (GRCh38, 1-based): chr10:71,322,858, T>G. VCF-style: chr10-71322858-T-G. GRCh37 (hg19) VCF-style: chr10-73082615-T-G.
Other names: c.104T>G, p.Leu35Arg (NM_001174098.2); c.-131T>G (NM_001363518.2); short protein forms L35R.
Identifiers: ClinVar variation 565956 (VCV000565956.7), dbSNP rs531482844, ClinGen allele CA5542814.

ClinVar aggregate classification (germline): Uncertain significance. Review status: criteria provided, multiple submitters, no conflicts (2 of 4 stars). 2 submissions from 2 submitters: Uncertain significance (2). Last evaluated 2024-06-07.

Conditions:
Inborn genetic diseases. Identifiers: MedGen C0950123, MeSH D030342.
H syndrome. Also called: Histiocytosis with joint contractures and sensorineural deafness; FAISALABAD HISTIOCYTOSIS; HISTIOCYTOSIS AND LYMPHADENOPATHY WITH OR WITHOUT CUTANEOUS, CARDIAC, AND/OR ENDOCRINE FEATURES, JOINT CONTRACTURES, AND/OR DEAFNESS; HYPERPIGMENTATION, CUTANEOUS, WITH HYPERTRICHOSIS, HEPATOSPLENOMEGALY, HEART ANOMALIES, AND HYPOGONADISM WITH OR WITHOUT HEARING LOSS; PIGMENTED HYPERTRICHOSIS WITH INSULIN-DEPENDENT DIABETES MELLITUS; ROSAI-DORFMAN DISEASE, FAMILIAL. Identifiers: Orphanet 168569, MedGen C1864445, MONDO:0011273, OMIM 602782.

Allele frequency attached by ClinVar (database versions not stated): gnomAD exomes below 0.00001 and 0.00001; ExAC 0.00002; gnomAD 0.00002; TOPMed 0.00006; 1000 Genomes Project 30x 0.00016; 1000 Genomes Project 0.00020.
gnomAD v4.1: 7 of 1,614,208 alleles (0.00043%); highest among the groups gnomAD compares: African/African-American, 0.0093%; no homozygotes.

Submissions (2):

Ambry Genetics
Classification: Uncertain significance for Inborn genetic diseases. Last evaluated: 2024-06-07. Review status: criteria provided, single submitter. Criteria: Ambry Variant Classification Scheme 2023. Collection method: clinical testing. Allele origin: germline.

Labcorp Genetics (formerly Invitae), Labcorp
Classification: Uncertain significance for H syndrome. Last evaluated: 2022-03-19. Review status: criteria provided, single submitter. Criteria: Invitae Variant Classification Sherloc (09022015). Collection method: clinical testing. Allele origin: germline.
Comment: This sequence change replaces leucine, which is neutral and non-polar, with arginine, which is basic and polar, at codon 35 of the SLC29A3 protein (p.Leu35Arg). This variant is present in population databases (rs531482844, gnomAD 0.02%). This variant has not been reported in the literature in individuals affected with SLC29A3-related conditions. ClinVar contains an entry for this variant (Variation ID: 565956). Algorithms developed to predict the effect of missense changes on protein structure and function (SIFT, PolyPhen-2, Align-GVGD) all suggest that this variant is likely to be tolerated. In summary, the available evidence is currently insufficient to determine the role of this variant in disease. Therefore, it has been classified as a Variant of Uncertain Significance.